The following is an entry in ClinVar:

NM_001128840.3(CACNA1D):c.5685C>T (p.Asp1895=)

Gene: CACNA1D (calcium voltage-gated channel subunit alpha1 D; plus strand). Cytogenetic location: 3p21.1.
Variant type: single nucleotide variant.
Coding change: c.5685C>T on transcript NM_001128840.3 (MANE Select); coding-DNA position 5685, C replaced by T.
Protein change: p.Asp1895=; no amino-acid change (aspartic acid 1895 retained).
Molecular consequence: synonymous variant.
Genome position (GRCh38, 1-based): chr3:53,805,082, C>T. VCF-style: chr3-53805082-C-T. GRCh37 (hg19) VCF-style: chr3-53839109-C-T.
Other names: c.5745C>T, p.Asp1915= (NM_000720.4); c.5613C>T, p.Asp1871= (NM_001128839.3); c.5745C>T (NM_000720.3).
Identifiers: ClinVar variation 1593548 (VCV001593548.11), dbSNP rs761725496, ClinGen allele CA2455219.
Genomic context (GRCh38, chr3:53,805,082, plus strand): 5'-CATCGACTCTGAGAGGCCCCGAGGCTACCATCATCCCCAAGGATTCTTGGAGGACGATGA[C>T]TCGCCCGTTTGCTATGATTCACGGAGATCTCCAAGGAGACGCCTACTACCTCCCACCCCA-3'
Protein context (NP_001122312.1, residues 1885-1905): HHPQGFLEDD[Asp1895=]SPVCYDSRRS

ClinVar aggregate classification (germline): Likely benign. Review status: criteria provided, multiple submitters, no conflicts (2 of 4 stars). 3 submissions from 3 submitters: Likely benign (2). 1 of the submissions does not count toward it. Last evaluated 2021-05-19.

Conditions:
CACNA1D-related disorder.

Allele frequency attached by ClinVar (database versions not stated): gnomAD exomes 0.00001 and 0.00002; ExAC 0.00002; gnomAD 0.00002.
gnomAD v4.1: 19 of 1,614,018 alleles (0.0012%); highest among the groups gnomAD compares: African/African-American, 0.004%; no homozygotes.

Submissions (3):

Labcorp Genetics (formerly Invitae), Labcorp
Classification: Likely benign. Last evaluated: 2021-05-19. Review status: criteria provided, single submitter. Criteria: Invitae Variant Classification Sherloc (09022015). Collection method: clinical testing. Allele origin: germline.

Blueprint Genetics
Classification: Likely benign. Last evaluated: 2021-02-18. Review status: criteria provided, single submitter. Criteria: ACMG Guidelines, 2015. Collection method: clinical testing. Allele origin: germline.

PreventionGenetics, part of Exact Sciences
Classification: Likely benign for CACNA1D-related condition. Last evaluated: 2020-12-08. Review status: no assertion criteria provided. Collection method: clinical testing. Allele origin: germline. Not counted in ClinVar's aggregate classification.
Comment: This variant is classified as likely benign based on ACMG/AMP sequence variant interpretation guidelines (Richards et al. 2015 PMID: 25741868, with internal and published modifications).